The following is an entry in ClinVar:

NM_000059.4(BRCA2):c.5286T>A (p.Tyr1762Ter)

Gene: BRCA2 (BRCA2 DNA repair associated; plus strand). Cytogenetic location: 13q13.1.
Variant type: single nucleotide variant.
Coding change: c.5286T>A on transcript NM_000059.4 (MANE Select); coding-DNA position 5286, T replaced by A.
Protein change: p.Tyr1762Ter; replaces tyrosine 1762 with a stop codon.
Molecular consequence: nonsense.
Genome position (GRCh38, 1-based): chr13:32,339,641, T>A. VCF-style: chr13-32339641-T-A. GRCh37 (hg19) VCF-style: chr13-32913778-T-A.
Other names: 5514T>A; short protein forms Y1762*.
Identifiers: ClinVar variation 51836 (VCV000051836.19), dbSNP rs80358754, ClinGen allele CA021955.

ClinVar aggregate classification (germline): Pathogenic. Review status: reviewed by expert panel (3 of 4 stars). 9 submissions from 9 submitters: Pathogenic (1). 8 of the submissions do not count toward it. Last evaluated 2016-04-22.

Conditions:
Hereditary breast ovarian cancer syndrome. Also called: Hereditary breast and ovarian cancer syndrome; Hereditary breast and ovarian cancer; Hereditary breast and ovarian cancer syndrome (HBOC); Breast and ovarian cancer; Hereditary breast and/or ovarian cancer syndrome; BRCA1- and BRCA2-Associated Hereditary Breast and Ovarian Cancer. Identifiers: Orphanet 145, MedGen C0677776, MeSH D061325, MONDO:0003582. Disease mechanism: loss of function.
Breast-ovarian cancer, familial, susceptibility to, 2 (BROVCA2). Also called: BRCA2 Hereditary Breast and Ovarian Cancer. Identifiers: Orphanet 145, MedGen C2675520, MONDO:0012933, OMIM 612555. Disease mechanism: loss of function.
Hereditary cancer-predisposing syndrome. Also called: Neoplastic Syndromes, Hereditary; Tumor predisposition; Hereditary neoplastic syndrome; Hereditary Cancer Syndrome. Identifiers: Orphanet 140162, MedGen C0027672, MeSH D009386, MONDO:0015356.

gnomAD v4.1: 2 of 1,612,312 alleles (0.00012%); highest among the groups gnomAD compares: Non-Finnish European, 0.00017%; no homozygotes.

Submissions (9):

Evidence-based Network for the Interpretation of Germline Mutant Alleles (ENIGMA)
Classification: Pathogenic for Breast-ovarian cancer, familial, susceptibility to, 2. Last evaluated: 2016-04-22. Review status: reviewed by expert panel. Criteria: ENIGMA BRCA1/2 Classification Criteria (2015). Collection method: curation. Allele origin: germline.
Comment: Variant allele predicted to encode a truncated non-functional protein.

Ambry Genetics
Classification: Pathogenic for Hereditary cancer-predisposing syndrome. Last evaluated: 2023-09-26. Review status: criteria provided, single submitter. Criteria: Ambry Variant Classification Scheme 2023. Collection method: clinical testing. Allele origin: germline. Not counted in ClinVar's aggregate classification.
Comment: The p.Y1762* pathogenic mutation (also known as c.5286T>A), located in coding exon 10 of the BRCA2 gene, results from a T to A substitution at nucleotide position 5286. This changes the amino acid from a tyrosine to a stop codon within coding exon 10. This alteration has been reported in numerous families with breast, ovarian and/or prostate cancer (Willems AJ et al. Clin. Cancer Res., 2008 May;14:2953-61; Kanchi KL et al. Nat Commun, 2014;5:3156; Rebbeck TR et al. Hum. Mutat., 2018 05;39:593-620; Gorodnova T et al. Int. J. Gynecol. Cancer, 2019 05;29:779-786). Of note, this alteration is also designated as 5514T>A in the published literature. In addition to the clinical data presented in the literature, this alteration is expected to result in loss of function by premature protein truncation or nonsense-mediated mRNA decay. As such, this alteration is interpreted as a disease-causing mutation.

Labcorp Genetics (formerly Invitae), Labcorp
Classification: Pathogenic for Hereditary breast ovarian cancer syndrome. Last evaluated: 2022-11-03. Review status: criteria provided, single submitter. Criteria: Invitae Variant Classification Sherloc (09022015). Collection method: clinical testing. Allele origin: germline. Not counted in ClinVar's aggregate classification.
Comment: For these reasons, this variant has been classified as Pathogenic. ClinVar contains an entry for this variant (Variation ID: 51836). This variant is also known as 5514T>A. This premature translational stop signal has been observed in individual(s) with high grade prostatic intraepithelial neoplasia (HGPIN), prostate and colon cancer (PMID: 18445692, 21520333, 23035815). This variant is not present in population databases (gnomAD no frequency). This sequence change creates a premature translational stop signal (p.Tyr1762*) in the BRCA2 gene. It is expected to result in an absent or disrupted protein product. Loss-of-function variants in BRCA2 are known to be pathogenic (PMID: 20104584).

Women's Health and Genetics/Laboratory Corporation of America, LabCorp
Classification: Pathogenic for Hereditary breast and ovarian cancer syndrome. Last evaluated: 2018-12-20. Review status: criteria provided, single submitter. Criteria: LabCorp Variant Classification Summary - May 2015. Collection method: clinical testing. Allele origin: germline. Not counted in ClinVar's aggregate classification.
Comment: Variant summary: BRCA2 c.5286T>A (p.Tyr1762X) results in a premature termination codon, predicted to cause a truncation of the encoded protein or absence of the protein due to nonsense mediated decay, which are commonly known mechanisms for disease. Truncations downstream of this position have been classified as pathogenic by our laboratory (e.g., p.Ser1764fsX3, p.Asn1784fsX2, and p.Val1804fsX2). The variant was absent in 245356 control chromosomes. The c.5286T>A variant has been reported in the literature in multiple affected individuals. To our knowledge, no experimental evidence demonstrating an impact on protein function has been reported. Multiple clinical diagnostic laboratories/reputable databases have classified the variant as pathogenic. Based on the evidence outlined above, the variant was classified as pathogenic.

Consortium of Investigators of Modifiers of BRCA1/2 (CIMBA), c/o University of Cambridge
Classification: Pathogenic for Breast-ovarian cancer, familial, susceptibility to, 2. Last evaluated: 2015-10-02. Review status: criteria provided, single submitter. Criteria: CIMBA Mutation Classification guidelines May 2016. Collection method: clinical testing. Allele origin: germline. Not counted in ClinVar's aggregate classification.

Clinical Genetics DNA and cytogenetics Diagnostics Lab, Erasmus MC, Erasmus Medical Center
Classification: Pathogenic for Breast-ovarian cancer, familial, susceptibility to, 2. Last evaluated: 2015-09-21. Review status: criteria provided, single submitter. Criteria: ACGS Guidelines, 2013. Collection method: clinical testing. Allele origin: germline. Affected: yes. Study: VKGL Data-share Consensus. Not counted in ClinVar's aggregate classification.

Breast Cancer Information Core (BIC) (BRCA2)
Classification: Pathogenic for Breast-ovarian cancer, familial 2. Last evaluated: 1998-08-25. Review status: no assertion criteria provided. Collection method: clinical testing. Allele origin: germline. Affected: yes. Observed: 1 variant allele. Not counted in ClinVar's aggregate classification.

Clinical Genetics Laboratory, Department of Pathology, Netherlands Cancer Institute
Classification: Pathogenic. Review status: no assertion criteria provided. Collection method: clinical testing. Allele origin: germline. Affected: yes. Study: VKGL Data-share Consensus. Not counted in ClinVar's aggregate classification.

Diagnostic Laboratory, Department of Genetics, University Medical Center Groningen
Classification: Pathogenic for Breast-ovarian cancer, familial, susceptibility to, 2. Review status: no assertion criteria provided. Collection method: clinical testing. Allele origin: germline. Affected: yes. Study: VKGL Data-share Consensus. Not counted in ClinVar's aggregate classification.

Literature cited by the submitters: PubMed 18445692 (cited by 3 submitters); PubMed 24448499 (cited by Ambry Genetics and Women's Health and Genetics/Laboratory Corporation of America, LabCorp); PubMed 29446198 (cited by Ambry Genetics); PubMed 30839285 (cited by Ambry Genetics); PubMed 21520333 (cited by Labcorp Genetics (formerly Invitae), Labcorp); PubMed 23035815 (cited by Labcorp Genetics (formerly Invitae), Labcorp and Women's Health and Genetics/Laboratory Corporation of America, LabCorp); PubMed 20104584 (cited by Labcorp Genetics (formerly Invitae), Labcorp); PubMed 20167696 (cited by Women's Health and Genetics/Laboratory Corporation of America, LabCorp); PubMed 26689913 (cited by Women's Health and Genetics/Laboratory Corporation of America, LabCorp); PubMed 21702907 (cited by Women's Health and Genetics/Laboratory Corporation of America, LabCorp); PubMed 16683254 (cited by Women's Health and Genetics/Laboratory Corporation of America, LabCorp).